The following is an entry in ClinVar:

ClinVar aggregate classification (germline): Pathogenic (1 of 4 stars; one submission).

Conditions:
Familial cancer of breast. Also called: hereditary breast carcinoma; Hereditary breast cancer; BREAST CANCER, FAMILIAL. Identifiers: Orphanet 227535, MedGen C0346153, MONDO:0016419, OMIM 114480. Disease mechanism: loss of function.

Submission:

Labcorp Genetics (formerly Invitae), Labcorp
Classification: Pathogenic for Familial cancer of breast. Last evaluated: 2024-02-21. Review status: criteria provided, single submitter. Criteria: Invitae Variant Classification Sherloc (09022015). Collection method: clinical testing. Allele origin: germline.
Comment: This sequence change creates a premature translational stop signal (p.Glu429Glyfs*8) in the CHEK2 gene. It is expected to result in an absent or disrupted protein product. Loss-of-function variants in CHEK2 are known to be pathogenic (PMID: 21876083, 24713400). This variant is not present in population databases (gnomAD no frequency). This variant has not been reported in the literature in individuals affected with CHEK2-related conditions. RNA analysis provides insufficient evidence to determine the effect of this variant on CHEK2 splicing (Invitae). For these reasons, this variant has been classified as Pathogenic.

Literature cited by the submitters: PubMed 21876083; PubMed 24713400.

NM_007194.4(CHEK2):c.1286del (p.Glu429fs)

Gene: CHEK2 (checkpoint kinase 2; minus strand). Cytogenetic location: 22q12.1.
Variant type: Deletion.
Coding change: c.1286del on transcript NM_007194.4 (MANE Select); coding-DNA position 1286, one base deleted (A; older notation c.1286delA).
Protein change: p.Glu429fs; shifts the reading frame from glutamic acid 429.
Molecular consequence: frameshift variant.
Genome position (GRCh38, 1-based): chr22:28,695,216, T deleted on the plus strand (A on the coding strand, the reverse complement: CHEK2 is on the minus strand). VCF-style (leftmost placement, unchanged base first): chr22-28695215-CT-C. GRCh37 (hg19) VCF-style: chr22-29091203-CT-C.
Other names: c.1415delA, p.Glu472Glyfs (NM_001005735.3); c.623delA, p.Glu208Glyfs (NM_001257387.3); c.1085delA, p.Glu362Glyfs (NM_001349956.3); c.1199delA, p.Glu400Glyfs (NM_145862.3); short protein forms E208fs, E472fs, E362fs, E400fs, E429fs.
Identifiers: ClinVar variation 3642345 (VCV003642345.2).